The following is an entry in ClinVar:

NM_213599.3(ANO5):c.2704G>A (p.Glu902Lys)

Gene: ANO5 (anoctamin 5; plus strand). Cytogenetic location: 11p14.3.
Variant type: single nucleotide variant.
Coding change: c.2704G>A on transcript NM_213599.3 (MANE Select); coding-DNA position 2704, G replaced by A.
Protein change: p.Glu902Lys; replaces glutamic acid 902 with lysine.
Molecular consequence: missense variant.
Genome position (GRCh38, 1-based): chr11:22,279,727, G>A. VCF-style: chr11-22279727-G-A. GRCh37 (hg19) VCF-style: chr11-22301273-G-A.
Other names: c.2701G>A, p.Glu901Lys (NM_001142649.2); c.2662G>A, p.Glu888Lys (NM_001410963.1); c.2659G>A, p.Glu887Lys (NM_001410964.1); short protein forms E888K, E887K, E901K, E902K.
Identifiers: ClinVar variation 2135979 (VCV002135979.4), dbSNP rs1372961456, ClinGen allele CA379925434.
Genomic context (GRCh38, chr11:22,279,727, plus strand): 5'-AACAAATTAAAAGAGAACTTGGGAATTAATTCTAATGAATTTGCCAAGCATGTCATGATT[G>A]AGGAAAACAAAGCACAGCTGGCTAAATCAACACTCTAATCAGTATAGTGAGGAAGCAGCA-3'
Protein context (NP_998764.1, residues 892-912): SNEFAKHVMI[Glu902Lys]ENKAQLAKST

ClinVar aggregate classification (germline): Uncertain significance (1 of 4 stars; one submission).

Conditions:
Gnathodiaphyseal dysplasia (GDD). Also called: GNATHODIAPHYSEAL SCLEROSIS; OSTEOGENESIS IMPERFECTA WITH UNUSUAL SKELETAL LESIONS. Identifiers: Orphanet 53697, MedGen C1833736, MONDO:0008151, OMIM 166260.
Autosomal recessive limb-girdle muscular dystrophy type 2L (LGMDR12). Also called: Limb-Girdle Muscular Dystrophy R12 Anoctamin-5-Related (LGMD-R12); Limb-girdle muscular dystrophy, type 2L; MUSCULAR DYSTROPHY, LIMB-GIRDLE, AUTOSOMAL RECESSIVE 12. Identifiers: Orphanet 206549, MedGen C1969785, MONDO:0012652, OMIM 611307.

Allele frequency attached by ClinVar (database versions not stated): gnomAD exomes below 0.00001; TOPMed 0.00001.
gnomAD v4.1: 2 of 1,612,816 alleles (0.00012%); highest among the groups gnomAD compares: Non-Finnish European, 0.00017%; no homozygotes.

Submission:

Labcorp Genetics (formerly Invitae), Labcorp
Classification: Uncertain significance for Autosomal recessive limb-girdle muscular dystrophy type 2L; Gnathodiaphyseal dysplasia. Last evaluated: 2022-05-09. Review status: criteria provided, single submitter. Criteria: Invitae Variant Classification Sherloc (09022015). Collection method: clinical testing. Allele origin: germline.
Comment: This sequence change replaces glutamic acid, which is acidic and polar, with lysine, which is basic and polar, at codon 902 of the ANO5 protein (p.Glu902Lys). This variant is present in population databases (no rsID available, gnomAD 0.002%). This variant has not been reported in the literature in individuals affected with ANO5-related conditions. Advanced modeling of protein sequence and biophysical properties (such as structural, functional, and spatial information, amino acid conservation, physicochemical variation, residue mobility, and thermodynamic stability) performed at Invitae indicates that this missense variant is not expected to disrupt ANO5 protein function. In summary, the available evidence is currently insufficient to determine the role of this variant in disease. Therefore, it has been classified as a Variant of Uncertain Significance.